The following is an entry in ClinVar:

NM_001077418.3(TMEM231):c.-6G>C

Gene: TMEM231 (transmembrane protein 231; minus strand). Cytogenetic location: 16q23.1.
Variant type: single nucleotide variant.
Coding change: c.-6G>C on transcript NM_001077418.3 (MANE Select); 6 bases upstream of the start codon, G replaced by C.
Molecular consequence: 5 prime UTR variant. On other transcripts: synonymous variant (1), non-coding transcript variant (1).
Genome position (GRCh38, 1-based): chr16:75,556,215, C>G on the plus strand (G>C on the coding strand, the complement: TMEM231 is on the minus strand). VCF-style: chr16-75556215-C-G. GRCh37 (hg19) VCF-style: chr16-75590113-C-G.
Other names: p.Arg19=; c.57G>C, p.Arg19= (NM_001077416.2).
Identifiers: ClinVar variation 257330 (VCV000257330.13), dbSNP rs3743602, ClinGen allele CA8176323.

ClinVar aggregate classification (germline): Benign. Review status: criteria provided, multiple submitters, no conflicts (2 of 4 stars). 6 submissions from 6 submitters: Benign (6). Last evaluated 2026-02-04.

Conditions:
Joubert syndrome 20 (JBTS20). Identifiers: Orphanet 475, MedGen C3554235, MONDO:0013994, OMIM 614970.
Meckel syndrome, type 11 (MKS11). Identifiers: Orphanet 564, MedGen C3809352, MONDO:0014164, OMIM 615397.

Allele frequency attached by ClinVar (database versions not stated): ESP Exome Variant Server 0.17539; 1000 Genomes Project 30x 0.18926; 1000 Genomes Project 0.19708; TOPMed 0.20378; gnomAD 0.21749 and 0.21908.
gnomAD v4.1: 333,056 of 1,416,130 alleles (24%); highest among the groups gnomAD compares: Non-Finnish European, 25%; 40,147 homozygotes.

Submissions (6):

Labcorp Genetics (formerly Invitae), Labcorp
Classification: Benign for Joubert syndrome 20; Meckel syndrome, type 11. Last evaluated: 2026-02-04. Review status: criteria provided, single submitter. Criteria: Invitae Variant Classification Sherloc (09022015). Collection method: clinical testing. Allele origin: germline.

Blueprint Genetics
Classification: Benign. Last evaluated: 2024-11-28. Review status: criteria provided, single submitter. Criteria: ACMG Guidelines, 2015. Collection method: clinical testing. Allele origin: germline.

Mayo Clinic Laboratories, Mayo Clinic
Classification: Benign. Last evaluated: 2022-03-09. Review status: criteria provided, single submitter. Criteria: ACMG Guidelines, 2015. Collection method: clinical testing. Allele origin: germline. Observed: 22 variant alleles.

GeneDx
Classification: Benign. Last evaluated: 2016-01-22. Review status: criteria provided, single submitter. Criteria: GeneDx Variant Classification (06012015). Collection method: clinical testing. Allele origin: germline. Affected: yes.
Comment: This variant is considered likely benign or benign based on one or more of the following criteria: it is a conservative change, it occurs at a poorly conserved position in the protein, it is predicted to be benign by multiple in silico algorithms, and/or has population frequency not consistent with disease.

Breakthrough Genomics
Classification: Benign. Review status: criteria provided, single submitter. Criteria: ACMG Guidelines, 2015. Collection method: not provided. Allele origin: germline. Inheritance: Autosomal recessive inheritance. Affected: yes.

PreventionGenetics, part of Exact Sciences
Classification: Benign. Review status: criteria provided, single submitter. Criteria: ACMG Guidelines, 2015. Collection method: clinical testing. Allele origin: germline.